The following is an entry in ClinVar:

NM_182977.3(NNT):c.381+1del

Gene: NNT (nicotinamide nucleotide transhydrogenase; plus strand). Cytogenetic location: 5p12.
Variant type: Deletion.
Coding change: c.381+1del on transcript NM_182977.3 (MANE Select); the canonical splice donor site of the intron after coding-DNA position 381, one base deleted (G; older notation c.381+1delG).
Molecular consequence: splice donor variant. On other transcripts: intron variant (1).
Genome position (GRCh38, 1-based): chr5:43,613,138, G deleted. VCF-style (leftmost placement, unchanged base first): chr5-43613137-AG-A. GRCh37 (hg19) VCF-style: chr5-43613239-AG-A.
Other names: c.381+1del (NM_012343.4); c.-12-2710del (NM_001331026.2).
Identifiers: ClinVar variation 3649581 (VCV003649581.2).

ClinVar aggregate classification (germline): Likely pathogenic (1 of 4 stars; one submission).

Submission:

Labcorp Genetics (formerly Invitae), Labcorp
Classification: Likely pathogenic. Last evaluated: 2024-04-11. Review status: criteria provided, single submitter. Criteria: Invitae Variant Classification Sherloc (09022015). Collection method: clinical testing. Allele origin: germline.
Comment: This sequence change affects a splice site in intron 3 of the NNT gene. It is expected to disrupt RNA splicing. Variants that disrupt the donor or acceptor splice site typically lead to a loss of protein function (PMID: 16199547), and loss-of-function variants in NNT are known to be pathogenic (PMID: 22634753, 25459914). This variant is not present in population databases (gnomAD no frequency). This variant has not been reported in the literature in individuals affected with NNT-related conditions. Algorithms developed to predict the effect of sequence changes on RNA splicing suggest that this variant may disrupt the consensus splice site. In summary, the currently available evidence indicates that the variant is pathogenic, but additional data are needed to prove that conclusively. Therefore, this variant has been classified as Likely Pathogenic.

Literature cited by the submitters: PubMed 16199547; PubMed 22634753; PubMed 25459914.